The following is an entry in ClinVar:

NM_006031.6(PCNT):c.5978T>C (p.Val1993Ala)

Gene: PCNT (pericentrin; plus strand). Cytogenetic location: 21q22.3.
Variant type: single nucleotide variant.
Coding change: c.5978T>C on transcript NM_006031.6 (MANE Select); coding-DNA position 5978, T replaced by C.
Protein change: p.Val1993Ala; replaces valine 1993 with alanine.
Molecular consequence: missense variant.
Genome position (GRCh38, 1-based): chr21:46,412,051, T>C. VCF-style: chr21-46412051-T-C. GRCh37 (hg19) VCF-style: chr21-47831965-T-C.
Other names: c.5624T>C, p.Val1875Ala (NM_001315529.2); short protein forms V1875A, V1993A.
Identifiers: ClinVar variation 3670870 (VCV003670870.2).

ClinVar aggregate classification (germline): Uncertain significance (1 of 4 stars; one submission).

gnomAD v4.1: 1 of 1,607,470 alleles (0.000062%); highest among the groups gnomAD compares: East Asian, 0.0022%; no homozygotes.

Submission:

Labcorp Genetics (formerly Invitae), Labcorp
Classification: Uncertain significance. Last evaluated: 2024-05-11. Review status: criteria provided, single submitter. Criteria: Invitae Variant Classification Sherloc (09022015). Collection method: clinical testing. Allele origin: germline.
Comment: This sequence change replaces valine, which is neutral and non-polar, with alanine, which is neutral and non-polar, at codon 1993 of the PCNT protein (p.Val1993Ala). This variant is not present in population databases (gnomAD no frequency). This variant has not been reported in the literature in individuals affected with PCNT-related conditions. Algorithms developed to predict the effect of missense changes on protein structure and function output the following: SIFT: "Not Available"; PolyPhen-2: "Benign"; Align-GVGD: "Not Available". The alanine amino acid residue is found in multiple mammalian species, which suggests that this missense change does not adversely affect protein function. In summary, the available evidence is currently insufficient to determine the role of this variant in disease. Therefore, it has been classified as a Variant of Uncertain Significance.